The following is an entry in ClinVar:

NM_003630.3(PEX3):c.157C>T (p.Arg53Ter)

Gene: PEX3 (peroxisomal biogenesis factor 3; plus strand). Cytogenetic location: 6q24.2.
Variant type: single nucleotide variant.
Coding change: c.157C>T on transcript NM_003630.3 (MANE Select); coding-DNA position 157, C replaced by T.
Protein change: p.Arg53Ter; replaces arginine 53 with a stop codon.
Molecular consequence: nonsense.
Genome position (GRCh38, 1-based): chr6:143,459,168, C>T. VCF-style: chr6-143459168-C-T. GRCh37 (hg19) VCF-style: chr6-143780305-C-T.
Other names: short protein forms R53*.
Identifiers: ClinVar variation 1456893 (VCV001456893.8), dbSNP rs780088661, ClinGen allele CA4029466.
Genomic context (GRCh38, chr6:143,459,168, plus strand): 5'-GGACAGAAGAAAATCAGAGAAATACAGGAAAGGGAGGCTGCAGAATACATTGCCCAAGCA[C>T]GACGACAATATCATTTTGAAAGTAACCAGAGGACTTGCAATATGACAGGTAAGACAGAGA-3'

ClinVar aggregate classification (germline): Pathogenic (1 of 4 stars; one submission).

Allele frequency attached by ClinVar (database versions not stated): TOPMed below 0.00001; gnomAD exomes 0.00001; ExAC 0.00002.

Submission:

Labcorp Genetics (formerly Invitae), Labcorp
Classification: Pathogenic. Last evaluated: 2025-03-20. Review status: criteria provided, single submitter. Criteria: Invitae Variant Classification Sherloc (09022015). Collection method: clinical testing. Allele origin: germline.
Comment: This sequence change creates a premature translational stop signal (p.Arg53*) in the PEX3 gene. It is expected to result in an absent or disrupted protein product. Loss-of-function variants in PEX3 are known to be pathogenic (PMID: 10942428, 21031596). This variant is present in population databases (rs780088661, gnomAD 0.006%). This premature translational stop signal has been observed in individual(s) with peroxisomal biogenesis disorders (PMID: 10871277). ClinVar contains an entry for this variant (Variation ID: 1456893). For these reasons, this variant has been classified as Pathogenic.

Literature cited by the submitters: PubMed 10942428; PubMed 21031596; PubMed 10871277.